The following is an entry in ClinVar:

NM_004006.3(DMD):c.7542+5G>A

Gene: DMD (dystrophin; minus strand). Cytogenetic location: Xp21.1.
Variant type: single nucleotide variant.
Coding change: c.7542+5G>A on transcript NM_004006.3 (MANE Select); 5 bases into the intron after coding-DNA position 7542, G replaced by A.
Molecular consequence: intron variant.
Genome position (GRCh38, 1-based): chrX:31,773,955, C>T on the plus strand (G>A on the coding strand, the complement: DMD is on the minus strand). VCF-style: chrX-31773955-C-T. GRCh37 (hg19) VCF-style: chrX-31792072-C-T.
Other names: c.7518+5G>A (NM_000109.4); c.3519+5G>A (NM_004011.4); c.3510+5G>A (NM_004012.4); c.162+5G>A (NM_004023.3, NM_004020.4, NM_004022.3 and 2 more transcripts); c.7530+5G>A (NM_004009.3); c.7173+5G>A (NM_004010.3).
Identifiers: ClinVar variation 646781 (VCV000646781.7), dbSNP rs1468868482, ClinGen allele CA645605607.

ClinVar aggregate classification (germline): Uncertain significance (1 of 4 stars; one submission).

Conditions:
Duchenne muscular dystrophy (DMD). Also called: MUSCULAR DYSTROPHY, PSEUDOHYPERTROPHIC PROGRESSIVE, DUCHENNE TYPE; Duchenne Muscular Dystrophy (DMD). Identifiers: Orphanet 98896, MedGen C0013264, MONDO:0010679, OMIM 310200.

Submission:

Labcorp Genetics (formerly Invitae), Labcorp
Classification: Uncertain significance for Duchenne muscular dystrophy. Last evaluated: 2018-09-24. Review status: criteria provided, single submitter. Criteria: Invitae Variant Classification Sherloc (09022015). Collection method: clinical testing. Allele origin: germline.
Comment: This sequence change falls in intron 51 of the DMD gene. It does not directly change the encoded amino acid sequence of the DMD protein, but it affects a nucleotide within the consensus splice site of the intron. This variant is not present in population databases (ExAC no frequency). This variant has not been reported in the literature in individuals with DMD-related disease. Nucleotide substitutions within the consensus splice site are a relatively common cause of aberrant splicing (PMID: 17576681, 9536098). Algorithms developed to predict the effect of sequence changes on RNA splicing suggest that this variant may disrupt the consensus splice site, but this prediction has not been confirmed by published transcriptional studies. In summary, the available evidence is currently insufficient to determine the role of this variant in disease. Therefore, it has been classified as a Variant of Uncertain Significance.

Literature cited by the submitters: PubMed 17576681; PubMed 9536098.